The following is an entry in ClinVar:

NM_001127644.2(GABRA1):c.799C>T (p.Leu267Phe)

Gene: GABRA1 (gamma-aminobutyric acid type A receptor subunit alpha1; plus strand). Cytogenetic location: 5q34.
Variant type: single nucleotide variant.
Coding change: c.799C>T on transcript NM_001127644.2 (MANE Select); coding-DNA position 799, C replaced by T.
Protein change: p.Leu267Phe; replaces leucine 267 with phenylalanine.
Molecular consequence: missense variant.
Genome position (GRCh38, 1-based): chr5:161,890,993, C>T. VCF-style: chr5-161890993-C-T. GRCh37 (hg19) VCF-style: chr5-161317999-C-T.
Other names: c.799C>T, p.Leu267Phe (NM_000806.5, NM_001127643.2, NM_001127645.2 and 1 more transcripts); short protein forms L267F.
Identifiers: ClinVar variation 950574 (VCV000950574.9), dbSNP rs796052492, ClinGen allele CA362179926.

ClinVar aggregate classification (germline): Likely pathogenic (1 of 4 stars; one submission).

Conditions:
Idiopathic generalized epilepsy. Also called: Generalised epilepsy; EIG. Identifiers: MedGen C0270850, MONDO:0005579, OMIM 600669.
Epilepsy, idiopathic generalized, susceptibility to, 13. Also called: EPILEPSY, JUVENILE MYOCLONIC, SUSCEPTIBILITY TO, 5. Identifiers: Orphanet 307, Orphanet 64280, MedGen C4013473, MONDO:0012627, OMIM 611136.
Epilepsy, childhood absence 4 (ECA4). Also called: EPILEPSY, CHILDHOOD ABSENCE, SUSCEPTIBILITY TO, 4. Identifiers: Orphanet 307, MedGen C1970160.

Submission:

Labcorp Genetics (formerly Invitae), Labcorp
Classification: Likely pathogenic for Epilepsy, childhood absence 4; Epilepsy, idiopathic generalized, susceptibility to, 13; Idiopathic generalized epilepsy. Last evaluated: 2020-04-24. Review status: criteria provided, single submitter. Criteria: Invitae Variant Classification Sherloc (09022015). Collection method: clinical testing. Allele origin: germline.
Comment: This variant is not present in population databases (ExAC no frequency). In summary, the currently available evidence indicates that the variant is pathogenic, but additional data are needed to prove that conclusively. Therefore, this variant has been classified as Likely Pathogenic. Algorithms developed to predict the effect of missense changes on protein structure and function are either unavailable or do not agree on the potential impact of this missense change (SIFT: "Tolerated"; PolyPhen-2: "Possibly Damaging"; Align-GVGD: "Class C0"). This variant has been observed to be de novo in an individual affected with clinical features of early infantile epileptic encephalopathy (Invitae). This sequence change replaces leucine with phenylalanine at codon 267 of the GABRA1 protein (p.Leu267Phe). The leucine residue is highly conserved and there is a small physicochemical difference between leucine and phenylalanine.